The following is an entry in ClinVar:

ClinVar aggregate classification (germline): Uncertain significance. Review status: criteria provided, multiple submitters, no conflicts (2 of 4 stars). 2 submissions from 2 submitters: Uncertain significance (2). Last evaluated 2019-04-17.

Allele frequency attached by ClinVar (database versions not stated): gnomAD exomes below 0.00001; ExAC 0.00001; TOPMed 0.00001.

Submissions (2):

Revvity Omics, Revvity
Classification: Uncertain significance. Last evaluated: 2019-04-17. Review status: criteria provided, single submitter. Criteria: ACMG Guidelines, 2015. Collection method: clinical testing. Allele origin: germline.

GeneDx
Classification: Uncertain significance. Last evaluated: 2017-09-28. Review status: criteria provided, single submitter. Criteria: GeneDx Variant Classification (06012015). Collection method: clinical testing. Allele origin: germline. Affected: yes.
Comment: The V2740L variant in the COL6A3 gene has not been reported previously as a pathogenic variant, nor as a benign variant, to our knowledge. The V2740L variant is not observed at a significant frequency in large population cohorts (Lek et al., 2016). The V2740L variant is a conservative amino acid substitution, which is not likely to impact secondary protein structure as these residues share similar properties. This substitution occurs at a position that is conserved in mammals. In silico analysis is inconsistent in its predictions as to whether or not the variant is damaging to the protein structure/function. We interpret V2740L as a variant of uncertain significance.

NM_004369.4(COL6A3):c.8218G>C (p.Val2740Leu)

Gene: COL6A3 (collagen type VI alpha 3 chain; minus strand). Cytogenetic location: 2q37.3.
Variant type: single nucleotide variant.
Coding change: c.8218G>C on transcript NM_004369.4 (MANE Select); coding-DNA position 8218, G replaced by C.
Protein change: p.Val2740Leu; replaces valine 2740 with leucine.
Molecular consequence: missense variant.
Genome position (GRCh38, 1-based): chr2:237,340,698, C>G on the plus strand (G>C on the coding strand, the complement: COL6A3 is on the minus strand). VCF-style: chr2-237340698-C-G. GRCh37 (hg19) VCF-style: chr2-238249341-C-G.
Other names: c.6397G>C, p.Val2133Leu (NM_057166.5); c.7600G>C, p.Val2534Leu (NM_057167.4); short protein forms V2740L, V2133L, V2534L.
Identifiers: ClinVar variation 452385 (VCV000452385.5), dbSNP rs754870088, ClinGen allele CA2187597.
Genomic context (GRCh38, chr2:237,340,698, plus strand): 5'-GGATGACTCTCTGGGCCTCCTCCAGCTGCTGCTCCGGCACCTCGCCCGTCAGCATCAGGA[C>G]CACAATTTTCAGGTCCCGTGGGTTTGGGGCACTTTCAAAGACATTCTCTATGGTGTATTC-3'
Protein context (NP_004360.2, residues 2730-2750): APNPRDLKIV[Val2740Leu]LMLTGEVPEQ